The following is an entry in ClinVar:

NM_006361.6(HOXB13):c.659G>A (p.Arg220His)

Gene: HOXB13 (homeobox B13; minus strand). Cytogenetic location: 17q21.32.
Variant type: single nucleotide variant.
Coding change: c.659G>A on transcript NM_006361.6 (MANE Select); coding-DNA position 659, G replaced by A.
Protein change: p.Arg220His; replaces arginine 220 with histidine.
Molecular consequence: missense variant.
Genome position (GRCh38, 1-based): chr17:48,726,986, C>T on the plus strand (G>A on the coding strand, the complement: HOXB13 is on the minus strand). VCF-style: chr17-48726986-C-T. GRCh37 (hg19) VCF-style: chr17-46804348-C-T.
Other names: short protein forms R220H.
Identifiers: ClinVar variation 2886763 (VCV002886763.4), dbSNP rs1597932884, ClinGen allele CA400106801.

ClinVar aggregate classification (germline): Uncertain significance. Review status: criteria provided, multiple submitters, no conflicts (2 of 4 stars). 2 submissions from 2 submitters: Uncertain significance (2). Last evaluated 2023-12-10.

Conditions:
Hereditary cancer-predisposing syndrome. Also called: Neoplastic Syndromes, Hereditary; Hereditary neoplastic syndrome; Tumor predisposition; Hereditary Cancer Syndrome. Identifiers: Orphanet 140162, MedGen C0027672, MeSH D009386, MONDO:0015356.

Submissions (2):

Ambry Genetics
Classification: Uncertain significance for Hereditary cancer-predisposing syndrome. Last evaluated: 2023-12-10. Review status: criteria provided, single submitter. Criteria: Ambry Variant Classification Scheme 2023. Collection method: clinical testing. Allele origin: germline.
Comment: The p.R220H variant (also known as c.659G>A), located in coding exon 2 of the HOXB13 gene, results from a G to A substitution at nucleotide position 659. The arginine at codon 220 is replaced by histidine, an amino acid with highly similar properties. This amino acid position is conserved. In addition, this alteration is predicted to be deleterious by in silico analysis. Since supporting evidence is limited at this time, the clinical significance of this alteration remains unclear.

Labcorp Genetics (formerly Invitae), Labcorp
Classification: Uncertain significance. Last evaluated: 2023-04-10. Review status: criteria provided, single submitter. Criteria: Invitae Variant Classification Sherloc (09022015). Collection method: clinical testing. Allele origin: germline.
Comment: In summary, the available evidence is currently insufficient to determine the role of this variant in disease. Therefore, it has been classified as a Variant of Uncertain Significance. Advanced modeling of protein sequence and biophysical properties (such as structural, functional, and spatial information, amino acid conservation, physicochemical variation, residue mobility, and thermodynamic stability) performed at Invitae indicates that this missense variant is expected to disrupt HOXB13 protein function. This variant has not been reported in the literature in individuals affected with HOXB13-related conditions. This variant is not present in population databases (gnomAD no frequency). This sequence change replaces arginine, which is basic and polar, with histidine, which is basic and polar, at codon 220 of the HOXB13 protein (p.Arg220His).